The following is an entry in ClinVar:

ClinVar aggregate classification (germline): Uncertain significance (1 of 4 stars; one submission).

Conditions:
Congenital bilateral aplasia of vas deferens from CFTR mutation (CBAVD). Identifiers: Orphanet 48, MedGen C0403814, MONDO:0010178, OMIM 277180. Disease mechanism: loss of function.

Submission:

3billion
Classification: Uncertain significance for Congenital bilateral aplasia of vas deferens from CFTR mutation. Review status: criteria provided, single submitter. Criteria: ACMG Guidelines, 2015. Collection method: clinical testing. Allele origin: unknown. Affected: yes. Observed: 1 heterozygote.
Comment: The variant is not observed in the gnomAD v2.1.1 dataset. In silico tool predictions suggest damaging effect of the variant on gene or gene product (REVEL: 0.95; 3Cnet: 0.95). Therefore, this variant is classified as Uncertain significance according to the recommendation of ACMG/AMP guideline.

NM_000492.4(CFTR):c.107A>C (p.Asp36Ala)

Gene: CFTR (CF transmembrane conductance regulator; plus strand). Cytogenetic location: 7q31.2.
Variant type: single nucleotide variant.
Coding change: c.107A>C on transcript NM_000492.4 (MANE Select); coding-DNA position 107, A replaced by C.
Protein change: p.Asp36Ala; replaces aspartic acid 36 with alanine.
Molecular consequence: missense variant.
Genome position (GRCh38, 1-based): chr7:117,504,306, A>C. VCF-style: chr7-117504306-A-C. GRCh37 (hg19) VCF-style: chr7-117144360-A-C.
Other names: short protein forms D36A.
Identifiers: ClinVar variation 2572408 (VCV002572408.1), dbSNP rs2484968246, ClinGen allele CA368987168.